The following is an entry in ClinVar:

ClinVar aggregate classification (germline): Uncertain significance (1 of 4 stars; one submission).

Conditions:
Neurofibromatosis, type 1 (NF1). Also called: Peripheral type neurofibromatosis; VON RECKLINGHAUSEN DISEASE; Neurofibromatosis, type I; NEUROFIBROMATOSIS, TYPE I, SOMATIC. Identifiers: Orphanet 636, MedGen C0027831, MONDO:0018975, OMIM 162200. Disease mechanism: loss of function.

Submission:

Labcorp Genetics (formerly Invitae), Labcorp
Classification: Uncertain significance for Neurofibromatosis, type 1. Last evaluated: 2023-12-01. Review status: criteria provided, single submitter. Criteria: Invitae Variant Classification Sherloc (09022015). Collection method: clinical testing. Allele origin: germline.
Comment: This sequence change replaces methionine, which is neutral and non-polar, with arginine, which is basic and polar, at codon 2548 of the NF1 protein (p.Met2548Arg). This variant is not present in population databases (gnomAD no frequency). This variant has not been reported in the literature in individuals affected with NF1-related conditions. Advanced modeling of protein sequence and biophysical properties (such as structural, functional, and spatial information, amino acid conservation, physicochemical variation, residue mobility, and thermodynamic stability) has been performed at Invitae for this missense variant, however the output from this modeling did not meet the statistical confidence thresholds required to predict the impact of this variant on NF1 protein function. In summary, the available evidence is currently insufficient to determine the role of this variant in disease. Therefore, it has been classified as a Variant of Uncertain Significance.

NM_001042492.3(NF1):c.7706T>G (p.Met2569Arg)

Gene: NF1 (neurofibromin 1; plus strand). Cytogenetic location: 17q11.2.
Variant type: single nucleotide variant.
Coding change: c.7706T>G on transcript NM_001042492.3 (MANE Select); coding-DNA position 7706, T replaced by G.
Protein change: p.Met2569Arg; replaces methionine 2569 with arginine.
Molecular consequence: missense variant.
Genome position (GRCh38, 1-based): chr17:31,356,550, T>G. VCF-style: chr17-31356550-T-G. GRCh37 (hg19) VCF-style: chr17-29683568-T-G.
Other names: c.7643T>G, p.Met2548Arg (NM_000267.4); short protein forms M2548R, M2569R.
Identifiers: ClinVar variation 2700263 (VCV002700263.3), dbSNP rs2151581300, ClinGen allele CA399018171.